The following is an entry in ClinVar:

ClinVar aggregate classification (germline): Pathogenic. Review status: criteria provided, multiple submitters, no conflicts (2 of 4 stars). 14 submissions from 14 submitters: Pathogenic (13). 1 of the submissions does not count toward it. Last evaluated 2026-10-24.

Conditions:
LPL-related disorder. Also called: LPL-related condition.
Cardiovascular phenotype. Identifiers: MedGen CN230736.
Hyperlipidemia, familial combined, LPL related (FCHL3). Also called: Hyperapobetalipoproteinemia. Identifiers: MedGen C0020474, MONDO:0007759, OMIM 144250, HP:0008158.
Hyperlipoproteinemia, type I. Also called: Lipoprotein Lipase Deficiency; Hyperlipoproteinemia type 1; Hyperchylomicro-nemia familial; Familial chylomicronemia; Hyperlipemia idiopathic Burger-Grutz type; Familial hyperlipo-proteinemia type 1. Identifiers: Orphanet 309015, Orphanet 444490, MedGen C0023817, MONDO:0009387, OMIM 238600. Disease mechanism: loss of function.

Allele frequency attached by ClinVar (database versions not stated): TOPMed 0.00001; ExAC 0.00005; gnomAD 0.00001; gnomAD exomes 0.00004.
gnomAD v4.1: 52 of 1,613,972 alleles (0.0032%); highest among the groups gnomAD compares: Non-Finnish European, 0.004%; no homozygotes.

Submissions (14):

GeneDx
Classification: Pathogenic. Last evaluated: 2026-10-24. Review status: criteria provided, single submitter. Criteria: GeneDx Variant Classification Process June 2021. Collection method: clinical testing. Allele origin: germline.
Comment: Reported as the most prevalent founder mutation in the French Canadian population (PMID: 1511985, 8099055, 8728325); Published functional studies demonstrate a damaging effect through impaired LPL activity (PMID: 2038366, 11893776); In silico analysis supports that this missense variant has a deleterious effect on protein structure/function; Also known as p.(P207L); This variant is associated with the following publications: (PMID: 31589614, 32041611, 24366202, 8099055, 8728325, 27055971, 17560523, 29748148, 1511985, 34019660, 34493867, 30150141, 38933898, 11893776, 2038366, 36879129, 39238074, 41172993, 40046103)

PreventionGenetics, part of Exact Sciences
Classification: Pathogenic for LPL-related condition. Last evaluated: 2026-04-28. Review status: criteria provided, single submitter. Criteria: ACMG Guidelines, 2015. Collection method: clinical testing. Allele origin: germline.
Comment: The LPL c.701C>T variant is predicted to result in the amino acid substitution p.Pro234Leu. This variant has been reported in the homozygous or compound heterozygous state in multiple patients with lipoprotein lipase deficiency and familial chylomicronemia syndrome (FCS) (Hegele et al. 2018. PubMed ID: 29748148; Ariza et al. 2018. PubMed ID: 30150141; Rodrigues et al. 2016. PubMed ID: 27055971). This variant is also a common cause of lipoprotein lipase deficiency among French Canadians, and functional data indicate the p.Pro234Leu substitution reduces LPL protein activity significantly (Ma et al. 1991. PubMed ID: 2038366). In summary, we interpret this variant as pathogenic.

Labcorp Genetics (formerly Invitae), Labcorp
Classification: Pathogenic. Last evaluated: 2025-12-21. Review status: criteria provided, single submitter. Criteria: Invitae Variant Classification Sherloc (09022015). Collection method: clinical testing. Allele origin: germline.
Comment: This sequence change replaces proline, which is neutral and non-polar, with leucine, which is neutral and non-polar, at codon 234 of the LPL protein (p.Pro234Leu). This variant is present in population databases (rs118204060, gnomAD 0.007%). This missense change has been observed in individual(s) with clinical features of chylomicronemia (PMID: 2038366, 24366202, 29748148, 30150141). ClinVar contains an entry for this variant (Variation ID: 1527). Invitae Evidence Modeling of protein sequence and biophysical properties (such as structural, functional, and spatial information, amino acid conservation, physicochemical variation, residue mobility, and thermodynamic stability) indicates that this missense variant is expected to disrupt LPL protein function with a positive predictive value of 80%. For these reasons, this variant has been classified as Pathogenic.

Molecular Diagnostic Laboratory for Inherited Cardiovascular Disease, Montreal Heart Institute
Classification: Pathogenic for Cardiovascular phenotype. Last evaluated: 2024-10-23. Review status: criteria provided, single submitter. Criteria: ACMG Guidelines, 2015. Collection method: clinical testing. Allele origin: germline. Affected: yes.
Comment: PS4, PP1_strong, PM1, PM2, PM3, PS3_supp, PP2, PP3, PP5

Fulgent Genetics
Classification: Pathogenic for Hyperlipidemia, familial combined, LPL related; Hyperlipoproteinemia, type I. Last evaluated: 2024-06-19. Review status: criteria provided, single submitter. Criteria: ACMG Guidelines, 2015. Collection method: clinical testing. Allele origin: germline.

Natera, Inc.
Classification: Pathogenic for Lipoprotein lipase deficiency. Last evaluated: 2024-05-02. Review status: criteria provided, single submitter. Criteria: Natera Variant Classification Schema (03/2026). Collection method: clinical testing. Allele origin: germline.
Comment: The c.701C>T variant in LPL is a missense variant predicted to cause substitution of proline to leucine at amino acid 234. This variant is rare in the general population with a frequency below the threshold expected for the associated phenotype(s). This variant has been observed in one or more individuals affected with the associated recessive disease, as either homozygous or compound heterozygous with a second variant (PMID: 24291057, 30655019, 25966443). Functional studies show that this variant may disrupt protein function (PMID: 2038366). Computational prediction algorithms indicate this variant is likely to affect gene or protein function. Given the available evidence, this variant is classified as Pathogenic.

Blueprint Genetics
Classification: Pathogenic for LPL-related disorders. Last evaluated: 2023-04-12. Review status: criteria provided, single submitter. Criteria: ACMG Guidelines, 2015. Collection method: clinical testing. Allele origin: germline. Affected: yes. Observed: 5 variant alleles.

Laboratorio de Genetica e Diagnostico Molecular, Hospital Israelita Albert Einstein
Classification: Pathogenic for Hyperlipoproteinemia, type I. Last evaluated: 2022-06-06. Review status: criteria provided, single submitter. Criteria: ACMG Guidelines, 2015. Collection method: clinical testing. Allele origin: germline. Affected: yes. Observed: 1 variant allele.
Comment: ACMG classification criteria: PS4 strong, PM2 moderated, PM3 strong, PP3 supporting

Mendelics
Classification: Pathogenic for Hyperlipidemia, familial combined, LPL related. Last evaluated: 2022-05-04. Review status: criteria provided, single submitter. Criteria: Mendelics Assertion Criteria 2019. Collection method: clinical testing. Allele origin: germline.

Dasa
Classification: Pathogenic for Hyperlipoproteinemia, type I. Last evaluated: 2022-01-05. Review status: criteria provided, single submitter. Criteria: ACMG Guidelines, 2015. Collection method: clinical testing. Allele origin: germline. Affected: yes. Observed: 3 variant alleles.
Comment: The c.701C>T;p.(Pro234Leu) missense variant has been observed in affected individual(s) and ClinVar contains an entry for this variant (ClinVar ID: 1527; OMIM: 609708.0009; PMID: 8099055; 1511985; 2038366) - PS4. Well-established in vitro or in vivo functional studies support a damaging effect on the gene or gene product (PMID: 8099055) - PS3_supporting. The variant is located in a mutational hot spot and/or critical and well-established functional domain (Lipase) - PM1. The variant is present at low allele frequencies population databases (rs118204060– gnomAD 0.0001315%; ABraOM no frequency) - PM2_supporting. The p.(Pro234Leu) was detected in trans with a pathogenic variant (PMID: 8099055) - PM3. The variant co-segregated with disease in multiple affected family members (PMID: 8099055; 1511985) - PP1_strong. Multiple lines of computational evidence support a deleterious effect on the gene or gene product - PP3. In summary, the currently available evidence indicates that the variant is pathogenic.

Ambry Genetics
Classification: Pathogenic for Cardiovascular phenotype. Last evaluated: 2019-11-04. Review status: criteria provided, single submitter. Criteria: Ambry Variant Classification Scheme 2023. Collection method: clinical testing. Allele origin: germline.
Comment: The p.P234L pathogenic mutation (also known as c.701C>T), located in coding exon 5 of the LPL gene, results from a C to T substitution at nucleotide position 701. The proline at codon 234 is replaced by leucine, an amino acid with similar properties. This variant (also referred to as P207L) has been reported as a French Canadian founder mutation and has been detected in the homozygous and compound heterozygous state in numerous individuals with familial chylomicronemia syndrome with reduced lipoprotein lipase enzyme activity (Ma Y et al. N. Engl. J. Med., 1991 Jun;324:1761-6; Yang Y et al. J Genet Genomics, 2007 May;34:381-91; Sacks FM et al. JAMA Intern Med, 2014 Mar;174:443-7; Ariza MJ et al. J Clin Lipidol 2018 Aug;12:1482-1492.e3; Hegele RA et al. J Clin Lipidol 2018 Apr;12:920-927.e4; Normand T et al. Hum. Genet., 1992 Aug;89:671-5). This variant has also been detected in the heterozygous state in individuals with hypertriglyceridemia (Yang Y et al. J Genet Genomics, 2007 May;34:381-91). This mutation has been reported to result in a catalytically defective protein with abnormal conformation (Ma Y et al. N. Engl. J. Med., 1991 Jun;324:1761-6; Peterson J et al. J. Lipid Res., 2002 Mar;43:398-406). Based on the supporting evidence, this alteration is interpreted as a disease-causing mutation.

Institute of Human Genetics, University of Leipzig Medical Center
Classification: Pathogenic for Hyperlipidemia, familial combined, LPL related. Last evaluated: 2018-12-05. Review status: criteria provided, single submitter. Criteria: ACMG Guidelines, 2015. Collection method: clinical testing. Allele origin: germline. Affected: yes. Observed: 1 variant allele.

Clinical Genetics Service, Universitary Hospital 12 de Octubre
Classification: Pathogenic for Hyperlipoproteinemia, type I. Review status: criteria provided, single submitter. Criteria: ACMG Guidelines, 2015. Collection method: clinical testing. Allele origin: germline. Affected: yes.

OMIM
Classification: Pathogenic for LIPOPROTEIN LIPASE DEFICIENCY. Last evaluated: 1993-05-01. Review status: no assertion criteria provided. Collection method: literature only. Allele origin: germline. Not counted in ClinVar's aggregate classification.

Literature cited by the submitters: PubMed 2038366 (cited by 5 submitters); PubMed 24366202 (cited by Labcorp Genetics (formerly Invitae), Labcorp and Ambry Genetics); PubMed 29748148 (cited by Labcorp Genetics (formerly Invitae), Labcorp and Ambry Genetics); PubMed 30150141 (cited by Labcorp Genetics (formerly Invitae), Labcorp and Ambry Genetics); PubMed 24291057 (cited by Natera, Inc.); PubMed 30655019 (cited by Natera, Inc.); PubMed 25966443 (cited by Natera, Inc.); PubMed 8099055 (cited by 3 submitters); PubMed 1511985 (cited by 3 submitters); PubMed 27142713 (cited by Dasa); PubMed 26156051 (cited by Dasa); PubMed 24627108 (cited by Dasa); PubMed 23212406 (cited by Dasa); PubMed 16278884 (cited by Dasa); PubMed 11893776 (cited by Ambry Genetics); PubMed 17560523 (cited by Ambry Genetics); PubMed 27055971 (cited by Ambry Genetics).

NM_000237.3(LPL):c.701C>T (p.Pro234Leu)

Gene: LPL (lipoprotein lipase; plus strand). Cytogenetic location: 8p21.3.
Variant type: single nucleotide variant.
Coding change: c.701C>T on transcript NM_000237.3 (MANE Select); coding-DNA position 701, C replaced by T.
Protein change: p.Pro234Leu; replaces proline 234 with leucine.
Molecular consequence: missense variant.
Genome position (GRCh38, 1-based): chr8:19,954,279, C>T. VCF-style: chr8-19954279-C-T. GRCh37 (hg19) VCF-style: chr8-19811790-C-T.
Other names: P207L; short protein forms P234L.
Identifiers: ClinVar variation 1527 (VCV000001527.28), dbSNP rs118204060, ClinGen allele CA251865.
Genomic context (GRCh38, chr8:19,954,279, plus strand): 5'-GAGGGTCCCCTGGTCGAAGCATTGGAATCCAGAAACCAGTTGGGCATGTTGACATTTACC[C>T]GAATGGAGGTACTTTTCAGCCAGGATGTAACATTGGAGAAGCTATCCGCGTGATTGCAGA-3'
Protein context (NP_000228.1, residues 224-244): QKPVGHVDIY[Pro234Leu]NGGTFQPGCN